The following is an entry in ClinVar:

ClinVar aggregate classification (germline): Uncertain significance (1 of 4 stars; one submission).

Submission:

Labcorp Genetics (formerly Invitae), Labcorp
Classification: Uncertain significance. Last evaluated: 2023-11-23. Review status: criteria provided, single submitter. Criteria: Invitae Variant Classification Sherloc (09022015). Collection method: clinical testing. Allele origin: germline.
Comment: This sequence change creates a premature translational stop signal (p.Gln326*) in the MTOR gene. It is expected to result in an absent or disrupted protein product. However, the current clinical and genetic evidence is not sufficient to establish whether loss-of-function variants in MTOR cause disease. This variant is not present in population databases (gnomAD no frequency). This variant has not been reported in the literature in individuals affected with MTOR-related conditions. In summary, the available evidence is currently insufficient to determine the role of this variant in disease. Therefore, it has been classified as a Variant of Uncertain Significance.

NM_004958.4(MTOR):c.976C>T (p.Gln326Ter)

Gene: MTOR (mechanistic target of rapamycin kinase; minus strand). Cytogenetic location: 1p36.22.
Variant type: single nucleotide variant.
Coding change: c.976C>T on transcript NM_004958.4 (MANE Select); coding-DNA position 976, C replaced by T.
Protein change: p.Gln326Ter; replaces glutamine 326 with a stop codon.
Molecular consequence: nonsense. On other transcripts: 5 prime UTR variant (1).
Genome position (GRCh38, 1-based): chr1:11,247,959, G>A on the plus strand (C>T on the coding strand, the complement: MTOR is on the minus strand). VCF-style: chr1-11247959-G-A. GRCh37 (hg19) VCF-style: chr1-11308016-G-A.
Other names: c.976C>T, p.Gln326Ter (NM_001386500.1); c.-164C>T (NM_001386501.1); short protein forms Q326*.
Identifiers: ClinVar variation 2697093 (VCV002697093.3), dbSNP rs2100940383, ClinGen allele CA338400041.